The following is an entry in ClinVar:

NM_000051.4(ATM):c.7156G>T (p.Ala2386Ser)

Genes: ATM (ATM serine/threonine kinase; plus strand), C11orf65 (chromosome 11 open reading frame 65; minus strand). Cytogenetic location: 11q22.3.
Variant type: single nucleotide variant.
Coding change: c.7156G>T on transcript NM_000051.4 (MANE Select); coding-DNA position 7156, G replaced by T.
Protein change: p.Ala2386Ser; replaces alanine 2386 with serine.
Molecular consequence: missense variant. On other transcripts: intron variant (2).
Genome position (GRCh38, 1-based): chr11:108,329,087, G>T. VCF-style: chr11-108329087-G-T. GRCh37 (hg19) VCF-style: chr11-108199814-G-T.
Other names: c.7156G>T, p.Ala2386Ser (NM_001351834.2); c.641-20016C>A (NM_001330368.2); c.*38+6133C>A (NM_001351110.2); short protein forms A2386S.
Identifiers: ClinVar variation 487014 (VCV000487014.7), dbSNP rs876659392, ClinGen allele CA382559527.

ClinVar aggregate classification (germline): Uncertain significance (1 of 4 stars; one submission).

Conditions:
Hereditary cancer-predisposing syndrome. Also called: Neoplastic Syndromes, Hereditary; Hereditary Cancer Syndrome; Tumor predisposition; Hereditary neoplastic syndrome. Identifiers: Orphanet 140162, MedGen C0027672, MeSH D009386, MONDO:0015356.

Submission:

Ambry Genetics
Classification: Uncertain significance for Hereditary cancer-predisposing syndrome. Last evaluated: 2016-11-10. Review status: criteria provided, single submitter. Criteria: Ambry Variant Classification Scheme 2023. Collection method: clinical testing. Allele origin: germline.
Comment: The p.A2386S variant (also known as c.7156G>T), located in coding exon 48 of the ATM gene, results from a G to T substitution at nucleotide position 7156. The alanine at codon 2386 is replaced by serine, an amino acid with similar properties. This variant was not reported in population based cohorts in the following databases: Database of Single Nucleotide Polymorphisms (dbSNP), NHLBI Exome Sequencing Project (ESP), and 1000 Genomes Project. In the ESP, this variant was not observed in 6499 samples (12998 alleles) with coverage at this position. To date, this alteration has been detected with an allele frequency of approximately 0.001% (greater than 180000 alleles tested) in our clinical cohort. This amino acid position is highly conserved in available vertebrate species. In addition, the in silico prediction for this alteration is inconclusive. Since supporting evidence is limited at this time, the clinical significance of this alteration remains unclear.